The following is an entry in ClinVar:

ClinVar aggregate classification (germline): Benign (1 of 4 stars; one submission).

Conditions:
Familial cancer of breast. Also called: BREAST CANCER, FAMILIAL; Hereditary breast cancer; hereditary breast carcinoma. Identifiers: Orphanet 227535, MedGen C0346153, MONDO:0016419, OMIM 114480. Disease mechanism: loss of function.

Submission:

Myriad Genetics, Inc.
Classification: Benign for Familial cancer of breast. Last evaluated: 2024-05-16. Review status: criteria provided, single submitter. Criteria: Myriad Autosomal Dominant, Autosomal Recessive and X-Linked Classification Criteria (2023). Collection method: clinical testing. Allele origin: unknown.
Comment: This variant is considered benign. This variant is a silent/synonymous amino acid change and it is not expected to impact splicing.

NM_000051.4(ATM):c.4017T>C (p.Asn1339=)

Gene: ATM (ATM serine/threonine kinase; plus strand). Cytogenetic location: 11q22.3.
Variant type: single nucleotide variant.
Coding change: c.4017T>C on transcript NM_000051.4 (MANE Select); coding-DNA position 4017, T replaced by C.
Protein change: p.Asn1339=; no amino-acid change (asparagine 1339 retained).
Molecular consequence: synonymous variant.
Genome position (GRCh38, 1-based): chr11:108,287,623, T>C. VCF-style: chr11-108287623-T-C. GRCh37 (hg19) VCF-style: chr11-108158350-T-C.
Other names: c.4017T>C, p.Asn1339= (NM_001351834.2).
Identifiers: ClinVar variation 3253777 (VCV003253777.1), dbSNP rs863224569.